The following is an entry in ClinVar:

NM_032043.3(BRIP1):c.3566A>T (p.Asp1189Val)

Gene: BRIP1 (BRCA1 interacting DNA helicase 1; minus strand). Cytogenetic location: 17q23.2.
Variant type: single nucleotide variant.
Coding change: c.3566A>T on transcript NM_032043.3 (MANE Select); coding-DNA position 3566, A replaced by T.
Protein change: p.Asp1189Val; replaces aspartic acid 1189 with valine.
Molecular consequence: missense variant.
Genome position (GRCh38, 1-based): chr17:61,683,480, T>A on the plus strand (A>T on the coding strand, the complement: BRIP1 is on the minus strand). VCF-style: chr17-61683480-T-A. GRCh37 (hg19) VCF-style: chr17-59760841-T-A.
Other names: short protein forms D1189V.
Identifiers: ClinVar variation 5033418 (VCV005033418.1).

ClinVar aggregate classification (germline): Uncertain significance (1 of 4 stars; one submission).

Conditions:
Hereditary cancer-predisposing syndrome. Also called: Neoplastic Syndromes, Hereditary; Tumor predisposition; Hereditary neoplastic syndrome; Hereditary Cancer Syndrome. Identifiers: Orphanet 140162, MedGen C0027672, MeSH D009386, MONDO:0015356.

Submission:

Ambry Genetics
Classification: Uncertain significance for Hereditary cancer-predisposing syndrome. Last evaluated: 2026-07-07. Review status: criteria provided, single submitter. Criteria: Ambry Variant Classification Scheme 2023. Collection method: clinical testing. Allele origin: germline.
Comment: The p.D1189V variant (also known as c.3566A>T), located in coding exon 19 of the BRIP1 gene, results from an A to T substitution at nucleotide position 3566. The aspartic acid at codon 1189 is replaced by valine, an amino acid with highly dissimilar properties. This amino acid position is conserved. In addition, the in silico prediction for this alteration is inconclusive. Based on the available evidence, the clinical significance of this variant remains unclear.